The following is an entry in ClinVar:

ClinVar aggregate classification (germline): Pathogenic (1 of 4 stars; one submission).

Submission:

GeneDx
Classification: Pathogenic. Last evaluated: 2016-04-12. Review status: criteria provided, single submitter. Criteria: GeneDx Variant Classification (06012015). Collection method: clinical testing. Allele origin: germline. Affected: yes.
Comment: The c.1696_1697insTC pathogenic variant in the TSC1 gene causes a frameshift starting withcodon Proline 566, changes this amino acid to a Leucine residue and creates a premature Stopcodon at position 64 of the new reading frame, denoted p.Pro566LeufsX64. This pathogenicvariant is predicted to cause loss of normal protein function either through protein truncation ornonsense-mediated mRNA decay.

NM_000368.5(TSC1):c.1696_1697insTC (p.Pro566fs)

Gene: TSC1 (TSC complex subunit 1; minus strand). Cytogenetic location: 9q34.13.
Variant type: Insertion.
Coding change: c.1696_1697insTC on transcript NM_000368.5 (MANE Select); coding-DNA positions 1696 to 1697, TC inserted.
Protein change: p.Pro566fs; shifts the reading frame from proline 566.
Molecular consequence: frameshift variant.
Genome position: GRCh38 VCF-style: chr9-132905881-G-GGA. GRCh37 (hg19) VCF-style: chr9-135781268-G-GGA.
Other names: c.1693_1694insTC, p.Pro565fs (NM_001162426.2); c.1543_1544insTC, p.Pro515fs (NM_001162427.2); c.1333_1334insTC, p.Pro445fs (NM_001362177.2); short protein forms P565fs, P445fs, P566fs, P515fs.
Identifiers: ClinVar variation 420876 (VCV000420876.2), dbSNP rs1064794760, ClinGen allele CA16618769.